The following is an entry in ClinVar:

ClinVar aggregate classification (germline): Likely benign. Review status: criteria provided, single submitter (1 of 4 stars). 2 submissions from 2 submitters: Likely benign (1). 1 of the submissions does not count toward it. Last evaluated 2021-04-08.

Conditions:
KIF5A-related disorder. Also called: KIF5A-related disorders; KIF5A-related condition.

Allele frequency attached by ClinVar (database versions not stated): gnomAD exomes below 0.00001; ExAC 0.00001.
gnomAD v4.1: 2 of 1,614,154 alleles (0.00012%); highest among the groups gnomAD compares: East Asian, 0.0045%; no homozygotes.

Submissions (2):

Blueprint Genetics
Classification: Likely benign. Last evaluated: 2021-04-08. Review status: criteria provided, single submitter. Criteria: ACMG Guidelines, 2015. Collection method: clinical testing. Allele origin: germline.

PreventionGenetics, part of Exact Sciences
Classification: Likely benign for KIF5A-related condition. Last evaluated: 2022-12-29. Review status: no assertion criteria provided. Collection method: clinical testing. Allele origin: germline. Not counted in ClinVar's aggregate classification.
Comment: This variant is classified as likely benign based on ACMG/AMP sequence variant interpretation guidelines (Richards et al. 2015 PMID: 25741868, with internal and published modifications).

NM_004984.4(KIF5A):c.2667C>T (p.Asp889=)

Gene: KIF5A (kinesin family member 5A; plus strand). Cytogenetic location: 12q13.3.
Variant type: single nucleotide variant.
Coding change: c.2667C>T on transcript NM_004984.4 (MANE Select); coding-DNA position 2667, C replaced by T.
Protein change: p.Asp889=; no amino-acid change (aspartic acid 889 retained).
Molecular consequence: synonymous variant.
Genome position (GRCh38, 1-based): chr12:57,581,084, C>T. VCF-style: chr12-57581084-C-T. GRCh37 (hg19) VCF-style: chr12-57974867-C-T.
Other names: c.2400C>T, p.Asp800= (NM_001354705.2).
Identifiers: ClinVar variation 3044448 (VCV003044448.3), dbSNP rs771819798, ClinGen allele CA6653170.